The following is an entry in ClinVar:

ClinVar aggregate classification (germline): Uncertain significance (1 of 4 stars; one submission).

Conditions:
Gnathodiaphyseal dysplasia (GDD). Also called: GNATHODIAPHYSEAL SCLEROSIS; OSTEOGENESIS IMPERFECTA WITH UNUSUAL SKELETAL LESIONS. Identifiers: Orphanet 53697, MedGen C1833736, MONDO:0008151, OMIM 166260.
Autosomal recessive limb-girdle muscular dystrophy type 2L (LGMDR12). Also called: Limb-girdle muscular dystrophy, type 2L; MUSCULAR DYSTROPHY, LIMB-GIRDLE, AUTOSOMAL RECESSIVE 12; Limb-Girdle Muscular Dystrophy R12 Anoctamin-5-Related (LGMD-R12). Identifiers: Orphanet 206549, MedGen C1969785, MONDO:0012652, OMIM 611307.

gnomAD v4.1: 2 of 1,592,042 alleles (0.00013%); highest among the groups gnomAD compares: Non-Finnish European, 0.000086%; no homozygotes.

Submission:

Labcorp Genetics (formerly Invitae), Labcorp
Classification: Uncertain significance for Autosomal recessive limb-girdle muscular dystrophy type 2L; Gnathodiaphyseal dysplasia. Last evaluated: 2025-10-03. Review status: criteria provided, single submitter. Criteria: Invitae Variant Classification Sherloc (09022015). Collection method: clinical testing. Allele origin: germline.
Comment: This sequence change replaces alanine, which is neutral and non-polar, with valine, which is neutral and non-polar, at codon 746 of the ANO5 protein (p.Ala746Val). This variant is present in population databases (no rsID available, gnomAD 0.0009%). This variant has not been reported in the literature in individuals affected with ANO5-related conditions. Invitae Evidence Modeling of protein sequence and biophysical properties (such as structural, functional, and spatial information, amino acid conservation, physicochemical variation, residue mobility, and thermodynamic stability) has been performed for this missense variant. However, the output from this modeling did not meet the statistical confidence thresholds required to predict the impact of this variant on ANO5 protein function. This variant disrupts the p.Ala746 amino acid residue in ANO5. Other variant(s) that disrupt this residue have been determined to be pathogenic (internal data). This suggests that this residue is clinically significant, and that variants that disrupt this residue are likely to be disease-causing. In summary, the available evidence is currently insufficient to determine the role of this variant in disease. Therefore, it has been classified as a Variant of Uncertain Significance.

NM_213599.3(ANO5):c.2237C>T (p.Ala746Val)

Gene: ANO5 (anoctamin 5; plus strand). Cytogenetic location: 11p14.3.
Variant type: single nucleotide variant.
Coding change: c.2237C>T on transcript NM_213599.3 (MANE Select); coding-DNA position 2237, C replaced by T.
Protein change: p.Ala746Val; replaces alanine 746 with valine.
Molecular consequence: missense variant.
Genome position (GRCh38, 1-based): chr11:22,274,570, C>T. VCF-style: chr11-22274570-C-T. GRCh37 (hg19) VCF-style: chr11-22296116-C-T.
Other names: c.2234C>T, p.Ala745Val (NM_001142649.2); c.2195C>T, p.Ala732Val (NM_001410963.1); c.2192C>T, p.Ala731Val (NM_001410964.1); c.2159C>T, p.Ala720Val (NM_001441294.1); c.2156C>T, p.Ala719Val (NM_001441295.1); c.2144C>T, p.Ala715Val (NM_001441296.1); c.2117C>T, p.Ala706Val (NM_001441297.1); c.2081C>T, p.Ala694Val (NM_001441298.1); and 4 more; short protein forms A601V, A715V, A731V, A732V, A746V, A694V, A584V, A600V.
Identifiers: ClinVar variation 4783155 (VCV004783155.1).